The following is an entry in ClinVar:

ClinVar aggregate classification (germline): Benign (1 of 4 stars; one submission).

Submission:

ISCA site 4
Classification: Benign. Last evaluated: 2011-08-12. Review status: criteria provided, single submitter. Criteria: Kaminsky et al. (Genet Med. 2011). Collection method: clinical testing. Allele origin: unknown. Affected: yes. Observed: 1 variant allele.
Comment: Copy number variation identified through the course of routine clinical cytogenomic testing in postnatal populations. Clinical assertions have been curated as described in Kaminsky et al. 2011.

GRCh38/hg38 2q37.3(chr2:241988449-242126245)x1

Genes: LINC01237 (long intergenic non-protein coding RNA 1237; plus strand), LINC01880 (long intergenic non-protein coding RNA 1880; minus strand), LINC01881 (long intergenic non-protein coding RNA 1881; plus strand), LINC03100 (long intergenic non-protein coding RNA 3100; minus strand), LOC122889016 (Sharpr-MPRA regulatory region 9157; plus strand) and 1 more. Cytogenetic location: 2q37.3.
Variant type: copy number loss.
Change: copy number 1 (one copy instead of two) of chr2:241,988,449-242,126,245 (137.8 kb, GRCh38 coordinates, 1-based), cytogenetic band 2q37.3.
Identifiers: ClinVar variation 160979 (VCV000160979.1).